The following is an entry in ClinVar:

NM_001370298.3(FGD4):c.*1454A>G

Gene: FGD4 (FYVE, RhoGEF and PH domain containing 4; plus strand). Cytogenetic location: 12p11.21.
Variant type: single nucleotide variant.
Coding change: c.*1454A>G on transcript NM_001370298.3 (MANE Select); 1454 bases downstream of the stop codon, A replaced by G.
Molecular consequence: 3 prime UTR variant. On other transcripts: intron variant (3).
Genome position (GRCh38, 1-based): chr12:32,641,987, A>G. VCF-style: chr12-32641987-A-G. GRCh37 (hg19) VCF-style: chr12-32794921-A-G.
Other names: c.*1454A>G (NM_001304481.2, NM_001304484.2, NM_001330373.2 and 5 more transcripts); c.2632+1534A>G (NM_001384126.1); c.2221+1534A>G (NM_001384127.1, NM_001384128.1).
Identifiers: ClinVar variation 308318 (VCV000308318.6), dbSNP rs7964947, ClinGen allele CA10640920.

ClinVar aggregate classification (germline): Benign. Review status: criteria provided, multiple submitters, no conflicts (2 of 4 stars). 2 submissions from 2 submitters: Benign (2). Last evaluated 2018-01-13.

Conditions:
Charcot-Marie-Tooth disease type 4H (CMT4H). Also called: CHARCOT-MARIE-TOOTH DISEASE, AUTOSOMAL RECESSIVE, TYPE 4H; CHARCOT-MARIE-TOOTH DISEASE, DEMYELINATING, AUTOSOMAL RECESSIVE, TYPE 4H; CHARCOT-MARIE-TOOTH NEUROPATHY, TYPE 4H; CHARCOT-MARIE-TOOTH DISEASE, DEMYELINATING, TYPE 4H. Identifiers: Orphanet 99954, MedGen C1836336, MONDO:0012250, OMIM 609311.

Allele frequency attached by ClinVar (database versions not stated): 1000 Genomes Project 0.31709; gnomAD 0.31802 and 0.31826; 1000 Genomes Project 30x 0.32105; TOPMed 0.32310.

Submissions (2):

Illumina Laboratory Services, Illumina
Classification: Benign for Charcot-Marie-Tooth disease type 4H. Last evaluated: 2018-01-13. Review status: criteria provided, single submitter. Criteria: ICSL Variant Classification Criteria 13 December 2019. Collection method: clinical testing. Allele origin: germline.
Comment: This variant was observed in the ICSL laboratory as part of a predisposition screen in an ostensibly healthy population. It had not been previously curated by ICSL or reported in the Human Gene Mutation Database (HGMD: prior to June 1st, 2018), and was therefore a candidate for classification through an automated scoring system. Utilizing variant allele frequency, disease prevalence and penetrance estimates, and inheritance mode, an automated score was calculated to assess if this variant is too frequent to cause the disease. Based on the score and internal cut-off values, a variant classified as benign is not then subjected to further curation. The score for this variant resulted in a classification of benign for this disease.

Breakthrough Genomics
Classification: Benign. Review status: criteria provided, single submitter. Criteria: ACMG Guidelines, 2015. Collection method: not provided. Allele origin: germline. Inheritance: Autosomal recessive inheritance. Affected: yes.